The following is an entry in ClinVar:

NM_004168.4(SDHA):c.1126C>T (p.Leu376=)

Gene: SDHA (succinate dehydrogenase complex flavoprotein subunit A; plus strand). Cytogenetic location: 5p15.33.
Variant type: single nucleotide variant.
Coding change: c.1126C>T on transcript NM_004168.4 (MANE Select); coding-DNA position 1126, C replaced by T.
Protein change: p.Leu376=; no amino-acid change (leucine 376 retained).
Molecular consequence: synonymous variant.
Genome position (GRCh38, 1-based): chr5:235,205, C>T. VCF-style: chr5-235205-C-T. GRCh37 (hg19) VCF-style: chr5-235320-C-T.
Other names: c.982C>T, p.Leu328= (NM_001294332.2); c.1126C>T, p.Leu376= (NM_001330758.2).
Identifiers: ClinVar variation 750046 (VCV000750046.15), dbSNP rs1579406388, ClinGen allele CA442691958.

ClinVar aggregate classification (germline): Conflicting classifications of pathogenicity. Review status: criteria provided, conflicting classifications (1 of 4 stars). 4 submissions from 4 submitters: Uncertain significance (1); Benign (1); Likely benign (2). Last evaluated 2025-11-23.

Conditions:
Pheochromocytoma/paraganglioma syndrome 5. Also called: Paragangliomas 5; SDHA-Related Hereditary Paraganglioma-Pheochromocytoma Syndrome. Identifiers: Orphanet 29072, MedGen C3279992, MONDO:0013602, OMIM 614165.
Mitochondrial complex II deficiency, nuclear type 1. Also called: SUCCINATE CoQ REDUCTASE DEFICIENCY. Identifiers: Orphanet 3208, MedGen C5700310, MONDO:0100294, OMIM 252011.
Hereditary cancer-predisposing syndrome. Also called: Tumor predisposition; Neoplastic Syndromes, Hereditary; Hereditary Cancer Syndrome; Hereditary neoplastic syndrome. Identifiers: Orphanet 140162, MedGen C0027672, MeSH D009386, MONDO:0015356.

Allele frequency attached by ClinVar (database versions not stated): TOPMed below 0.00001.

Submissions (4):

Labcorp Genetics (formerly Invitae), Labcorp
Classification: Likely benign for Pheochromocytoma/paraganglioma syndrome 5; Mitochondrial complex II deficiency, nuclear type 1. Last evaluated: 2025-11-23. Review status: criteria provided, single submitter. Criteria: Invitae Variant Classification Sherloc (09022015). Collection method: clinical testing. Allele origin: germline.

Myriad Genetics, Inc.
Classification: Benign for Pheochromocytoma/paraganglioma syndrome 5. Last evaluated: 2025-03-07. Review status: criteria provided, single submitter. Criteria: Myriad Autosomal Dominant, Autosomal Recessive and X-Linked Classification Criteria (2023). Collection method: clinical testing. Allele origin: unknown.
Comment: This variant is considered benign. This variant is a silent/synonymous amino acid change and it is not expected to impact splicing.

Quest Diagnostics Nichols Institute San Juan Capistrano
Classification: Uncertain significance. Last evaluated: 2023-08-01. Review status: criteria provided, single submitter. Criteria: Quest Diagnostics criteria. Collection method: clinical testing. Allele origin: unknown.
Comment: To the best of our knowledge, this variant has not been reported in individuals with SDHA-related conditions in the published literature. It also has not been reported in large, multi-ethnic general populations (Genome Aggregation Database). Analysis of this variant using software algorithms for the prediction of the effect of nucleotide changes on splicing yielded predictions that this variant does not affect SDHA mRNA splicing . Based on the available information, we are unable to determine the clinical significance of this variant.

Ambry Genetics
Classification: Likely benign for Hereditary cancer-predisposing syndrome. Last evaluated: 2021-01-12. Review status: criteria provided, single submitter. Criteria: Ambry Variant Classification Scheme 2023. Collection method: clinical testing. Allele origin: germline.